The following is an entry in ClinVar:

NM_004082.5(DCTN1):c.2583A>G (p.Leu861=)

Gene: DCTN1 (dynactin subunit 1; minus strand). Cytogenetic location: 2p13.1.
Variant type: single nucleotide variant.
Coding change: c.2583A>G on transcript NM_004082.5 (MANE Select); coding-DNA position 2583, A replaced by G.
Protein change: p.Leu861=; no amino-acid change (leucine 861 retained).
Molecular consequence: synonymous variant. On other transcripts: non-coding transcript variant (1).
Genome position (GRCh38, 1-based): chr2:74,366,504, T>C on the plus strand (A>G on the coding strand, the complement: DCTN1 is on the minus strand). VCF-style: chr2-74366504-T-C. GRCh37 (hg19) VCF-style: chr2-74593631-T-C.
Other names: c.2523A>G, p.Leu841= (NM_001135040.3); c.2181A>G, p.Leu727= (NM_001135041.3, NM_023019.4); c.2472A>G, p.Leu824= (NM_001190836.2); c.2562A>G, p.Leu854= (NM_001190837.2); c.2532A>G, p.Leu844= (NM_001378991.1); c.2514A>G, p.Leu838= (NM_001378992.1).
Identifiers: ClinVar variation 1701382 (VCV001701382.29), dbSNP rs2104415066, ClinGen allele CA427030336.

ClinVar aggregate classification (germline): Likely benign (1 of 4 stars; one submission).

Allele frequency attached by ClinVar (database versions not stated): gnomAD exomes below 0.00001.
gnomAD v4.1: 1 of 1,614,206 alleles (0.000062%); highest among the groups gnomAD compares: Non-Finnish European, 0.000085%; no homozygotes.

Submission:

CeGaT Center for Human Genetics Tuebingen
Classification: Likely benign. Last evaluated: 2022-07-01. Review status: criteria provided, single submitter. Criteria: CeGaT Center For Human Genetics Tuebingen Variant Classification Criteria Version 2. Collection method: clinical testing. Allele origin: germline. Affected: yes. Observed: 1 variant allele.
Comment: DCTN1: PM2:Supporting, BP4, BP7